The following is an entry in ClinVar:

NM_152743.4(BRAT1):c.1027G>A (p.Gly343Arg)

Gene: BRAT1 (BRCA1 associated ATM activator 1; minus strand). Cytogenetic location: 7p22.3.
Variant type: single nucleotide variant.
Coding change: c.1027G>A on transcript NM_152743.4 (MANE Select); coding-DNA position 1027, G replaced by A.
Protein change: p.Gly343Arg; replaces glycine 343 with arginine.
Molecular consequence: missense variant. On other transcripts: non-coding transcript variant (1).
Genome position (GRCh38, 1-based): chr7:2,541,825, C>T on the plus strand (G>A on the coding strand, the complement: BRAT1 is on the minus strand). VCF-style: chr7-2541825-C-T. GRCh37 (hg19) VCF-style: chr7-2581459-C-T.
Other names: c.1027G>A, p.Gly343Arg (NM_001350626.2); c.502G>A, p.Gly168Arg (NM_001350627.2); short protein forms G343R, G168R.
Identifiers: ClinVar variation 583026 (VCV000583026.7), dbSNP rs774062331, ClinGen allele CA4127960.
Genomic context (GRCh38, chr7:2,541,825, plus strand): 5'-CGGCGCAGGACGACTTGGAGGCCAGGAGTGTGTCCACCGTCGTGGCATCGTCTGCCGTCC[C>T]GTCCAGCAAGCCTGGGGGCCAAGCCAGGAAGAGCTCCCTTAGAGAGCACTTCAGCCTCCC-3'
Protein context (NP_689956.2, residues 333-353): QAPGPPGLLD[Gly343Arg]TADDATTVDT

ClinVar aggregate classification (germline): Uncertain significance. Review status: criteria provided, multiple submitters, no conflicts (2 of 4 stars). 2 submissions from 2 submitters: Uncertain significance (2). Last evaluated 2025-07-31.

Conditions:
Neonatal-onset encephalopathy with rigidity and seizures. Also called: Lethal neonatal spasticity-epileptic encephalopathy syndrome. Identifiers: Orphanet 435845, MedGen C3281029, MONDO:0013784, OMIM 614498.

Allele frequency attached by ClinVar (database versions not stated): gnomAD 0.00001; gnomAD exomes 0.00001 and 0.00002; ExAC 0.00003; TOPMed 0.00003.

Submissions (2):

GeneDx
Classification: Uncertain significance. Last evaluated: 2025-07-31. Review status: criteria provided, single submitter. Criteria: GeneDx Variant Classification Process June 2021. Collection method: clinical testing. Allele origin: germline. Affected: yes.
Comment: In silico analysis suggests that this missense variant does not alter protein structure/function; Has not been previously published as pathogenic or benign to our knowledge

Labcorp Genetics (formerly Invitae), Labcorp
Classification: Uncertain significance for Neonatal-onset encephalopathy with rigidity and seizures. Last evaluated: 2021-08-31. Review status: criteria provided, single submitter. Criteria: Invitae Variant Classification Sherloc (09022015). Collection method: clinical testing. Allele origin: germline.
Comment: This sequence change replaces glycine with arginine at codon 343 of the BRAT1 protein (p.Gly343Arg). The glycine residue is moderately conserved and there is a moderate physicochemical difference between glycine and arginine. This variant is present in population databases (rs774062331, ExAC 0.01%). This variant has not been reported in the literature in individuals affected with BRAT1-related conditions. Algorithms developed to predict the effect of missense changes on protein structure and function output the following: SIFT: "Tolerated"; PolyPhen-2: "Benign"; Align-GVGD: "Class C0". The arginine amino acid residue is found in multiple mammalian species, which suggests that this missense change does not adversely affect protein function. Algorithms developed to predict the effect of sequence changes on RNA splicing suggest that this variant may create or strengthen a splice site. In summary, the available evidence is currently insufficient to determine the role of this variant in disease. Therefore, it has been classified as a Variant of Uncertain Significance.